The following is an entry in ClinVar:

ClinVar aggregate classification (germline): Conflicting classifications of pathogenicity. Review status: criteria provided, conflicting classifications (1 of 4 stars). 4 submissions from 4 submitters: Pathogenic (1); Likely pathogenic (2); Uncertain significance (1). Last evaluated 2026-04-10.

Conditions:
Lambdoidal craniosynostosis. Identifiers: MedGen C1833340, HP:0004443.
Chitayat syndrome (CHYTS). Identifiers: MedGen C4310679, MONDO:0014956, OMIM 617180.

Submissions (4):

Foundation for Research in Genetics and Endocrinology, FRIGE's Institute of Human Genetics
Classification: Likely pathogenic for Chitayat syndrome. Last evaluated: 2026-04-10. Review status: criteria provided, single submitter. Criteria: ACMG Guidelines, 2015. Collection method: clinical testing. Allele origin: germline. Inheritance: Autosomal dominant inheritance. Affected: yes. Observed: 1 variant allele, 1 heterozygote.
Comment: The identified heterozygous variant (c.22+2T>G) lies in the essential splice donor site, in intron 1 of the ERF gene. The observed variant c.22+2T>G has not been reported in the 1000 genomes and gnomAD databases. The in silico prediction of the variant is deleterious by MutationTaster, DANN and SpliceAI. The reference codon is conserved across species. In summary, the variant meets our criteria to be classified as likely pathogenic.

CeGaT Center for Human Genetics Tuebingen
Classification: Likely pathogenic. Last evaluated: 2025-11-01. Review status: criteria provided, single submitter. Criteria: CeGaT Center For Human Genetics Tuebingen Variant Classification Criteria Version 2. Collection method: clinical testing. Allele origin: germline. Affected: yes. Observed: 1 variant allele.
Comment: ERF: PVS1

Laboratory of Genetics, Children's Clinical University Hospital Latvia
Classification: Uncertain significance. Last evaluated: 2025-02-16. Review status: criteria provided, single submitter. Criteria: ACMG Guidelines, 2015. Collection method: clinical testing. Allele origin: germline. Affected: yes.

Randwick Genomics Laboratory, Prince of Wales Hospital Sydney, Australia, New South Wales Health Pathology
Classification: Pathogenic for Craniosynostosis 4. Review status: criteria provided, single submitter. Criteria: ACMG Guidelines, 2015. Collection method: clinical testing. Allele origin: unknown. Affected: yes.
Comment: PVS1, PM2, PP1_strong

Singleton, AD

NM_006494.4(ERF):c.22+2T>G

Gene: ERF (ETS2 repressor factor; minus strand). Cytogenetic location: 19q13.2.
Variant type: single nucleotide variant.
Coding change: c.22+2T>G on transcript NM_006494.4 (MANE Select); the canonical splice donor site of the intron after coding-DNA position 22, T replaced by G.
Molecular consequence: splice donor variant. On other transcripts: intron variant (1).
Genome position (GRCh38, 1-based): chr19:42,254,976, A>C on the plus strand (T>G on the coding strand, the complement: ERF is on the minus strand). VCF-style: chr19-42254976-A-C. GRCh37 (hg19) VCF-style: chr19-42759128-A-C.
Other names: c.-204+128T>G (NM_001312656.2).
Identifiers: ClinVar variation 1224302 (VCV001224302.10), dbSNP rs2146960176, ClinGen allele CA406118573.
Genomic context (GRCh38, chr19:42,254,976, plus strand): 5'-GTTTCTCCGTTCGGTTTCCCGGGGCAACAAGTCTCCCCCACACGTGCTGCCCCCGCCCCC[A>C]CCTGTGTCCGCCGGGGTCTTCATGCTGGGGGGCCCGGGGCGAAGCGCCCCGATTCCGGGC-3'